The following is an entry in ClinVar:

NM_000264.5(PTCH1):c.1068-2A>G

Gene: PTCH1 (patched 1; minus strand). Cytogenetic location: 9q22.32.
Variant type: single nucleotide variant.
Coding change: c.1068-2A>G on transcript NM_000264.5 (MANE Select); the canonical splice acceptor site of the intron before coding-DNA position 1068, A replaced by G.
Molecular consequence: splice acceptor variant.
Genome position (GRCh38, 1-based): chr9:95,479,149, T>C on the plus strand (A>G on the coding strand, the complement: PTCH1 is on the minus strand). VCF-style: chr9-95479149-T-C. GRCh37 (hg19) VCF-style: chr9-98241431-T-C.
Other names: c.1065-2A>G (NM_001083603.3); c.870-2A>G (NM_001083602.3); c.1068-2A>G (NM_001354918.2); c.615-2A>G (NM_001083605.3, NM_001083604.3, NM_001083606.3 and 1 more transcripts).
Identifiers: ClinVar variation 1069761 (VCV001069761.13), dbSNP rs1060502271, ClinGen allele CA374119549.

ClinVar aggregate classification (germline): Pathogenic (1 of 4 stars; one submission).

Conditions:
Gorlin syndrome. Also called: Nevoid Basal Cell Carcinoma Syndrome; Basal cell nevus syndrome. Identifiers: Orphanet 377, MedGen C0004779, MONDO:0007187.

Submission:

Labcorp Genetics (formerly Invitae), Labcorp
Classification: Pathogenic for Gorlin syndrome. Last evaluated: 2020-02-20. Review status: criteria provided, single submitter. Criteria: Invitae Variant Classification Sherloc (09022015). Collection method: clinical testing. Allele origin: germline.
Comment: For these reasons, this variant has been classified as Pathogenic. Donor and acceptor splice site variants typically lead to a loss of protein function (PMID: 16199547), and loss-of-function variants in PTCH1 are known to be pathogenic (PMID: 16301862, 16419085). Algorithms developed to predict the effect of sequence changes on RNA splicing suggest that this variant may disrupt the consensus splice site, but this prediction has not been confirmed by published transcriptional studies. This variant has been observed in individual(s) with nevoid basal cell carcinoma syndrome (PMID: 30754660, 8981943). This variant is not present in population databases (ExAC no frequency). This sequence change affects an acceptor splice site in intron 7 of the PTCH1 gene. It is expected to disrupt RNA splicing and likely results in an absent or disrupted protein product.

Literature cited by the submitters: PubMed 16199547; PubMed 16301862; PubMed 16419085; PubMed 30754660; PubMed 8981943.